The following is an entry in ClinVar:

ClinVar aggregate classification (germline): Uncertain significance (1 of 4 stars; one submission).

Conditions:
Hereditary spastic paraplegia 39 (SPG39). Also called: SPASTIC PARAPLEGIA 39, AUTOSOMAL RECESSIVE; Spastic Paraplegia Type 39 (SPG39). Identifiers: Orphanet 139480, MedGen C2677586, MONDO:0012787, OMIM 612020.

Allele frequency attached by ClinVar (database versions not stated): TOPMed below 0.00001.
gnomAD v4.1: 6 of 1,606,726 alleles (0.00037%); highest among the groups gnomAD compares: East Asian, 0.011%; no homozygotes.

Submissions (2):

Labcorp Genetics (formerly Invitae), Labcorp
Classification: Uncertain significance for Hereditary spastic paraplegia 39. Last evaluated: 2018-08-01. Review status: criteria provided, single submitter. Criteria: Invitae Variant Classification Sherloc (09022015). Collection method: clinical testing. Allele origin: germline.
Comment: In summary, the available evidence is currently insufficient to determine the role of this variant in disease. Therefore, it has been classified as a Variant of Uncertain Significance. Algorithms developed to predict the effect of missense changes on protein structure and function are either unavailable or do not agree on the potential impact of this missense change (SIFT: "Deleterious"; PolyPhen-2: "Benign"; Align-GVGD: "Class C0"). This variant has not been reported in the literature in individuals with PNPLA6-related disease. This variant is present in population databases (rs745677326, ExAC 0.02%). This sequence change replaces arginine with leucine at codon 302 of the PNPLA6 protein (p.Arg302Leu). The arginine residue is moderately conserved and there is a moderate physicochemical difference between arginine and leucine.

Dr. Peter K. Rogan Lab, Western University
No classification provided (evidence only). Condition: Thymoma. Review status: no classification provided. Collection method: in vitro. Allele origin: not applicable. Functional consequence: cryptic splice site, retained intron. Not counted in ClinVar's aggregate classification.

NM_001166114.2(PNPLA6):c.1022G>T (p.Arg341Leu)

Gene: PNPLA6 (patatin like domain 6, lysophospholipase; plus strand). Cytogenetic location: 19p13.2.
Variant type: single nucleotide variant.
Coding change: c.1022G>T on transcript NM_001166114.2 (MANE Select); coding-DNA position 1022, G replaced by T.
Protein change: p.Arg341Leu; replaces arginine 341 with leucine.
Molecular consequence: missense variant.
Genome position (GRCh38, 1-based): chr19:7,541,538, G>T. VCF-style: chr19-7541538-G-T. GRCh37 (hg19) VCF-style: chr19-7606424-G-T.
Other names: c.1049G>T, p.Arg350Leu (NM_001166111.2); c.905G>T, p.Arg302Leu (NM_001166112.2, NM_001166113.1, NM_006702.5); short protein forms R341L, R302L, R350L.
Identifiers: ClinVar variation 639295 (VCV000639295.8), dbSNP rs745677326, ClinGen allele CA9139659.